The following is an entry in ClinVar:

NM_000027.4(AGA):c.698+1G>A

Gene: AGA (aspartylglucosaminidase; minus strand). Cytogenetic location: 4q34.3.
Variant type: single nucleotide variant.
Coding change: c.698+1G>A on transcript NM_000027.4 (MANE Select); the canonical splice donor site of the intron after coding-DNA position 698, G replaced by A.
Molecular consequence: splice donor variant. On other transcripts: intron variant (1).
Genome position (GRCh38, 1-based): chr4:177,436,275, C>T on the plus strand (G>A on the coding strand, the complement: AGA is on the minus strand). VCF-style: chr4-177436275-C-T. GRCh37 (hg19) VCF-style: chr4-178357429-C-T.
Other names: c.676+23G>A (NM_001171988.2).
Identifiers: ClinVar variation 641051 (VCV000641051.7), dbSNP rs1057517175, ClinGen allele CA358782372.

ClinVar aggregate classification (germline): Likely pathogenic (1 of 4 stars; one submission).

Conditions:
Aspartylglucosaminuria (AGU). Also called: Aspartylglucos-aminuria; Aspartylglucos-amidase (AGA) deficiency; GLYCOASPARAGINASE; GLYCOSYLASPARAGINASE DEFICIENCY; AGA DEFICIENCY. Identifiers: Orphanet 93, MedGen C0268225, MONDO:0008830, OMIM 208400, HP:0012068.

gnomAD v4.1: 2 of 1,608,378 alleles (0.00012%); highest among the groups gnomAD compares: Non-Finnish European, 0.00017%; no homozygotes.

Submission:

Labcorp Genetics (formerly Invitae), Labcorp
Classification: Likely pathogenic for Aspartylglucosaminuria. Last evaluated: 2018-12-14. Review status: criteria provided, single submitter. Criteria: Invitae Variant Classification Sherloc (09022015). Collection method: clinical testing. Allele origin: germline.
Comment: This sequence change affects a donor splice site in intron 6 of the AGA gene. It is expected to disrupt RNA splicing and likely results in an absent or disrupted protein product. This variant is not present in population databases (ExAC no frequency). This variant has not been reported in the literature in individuals with AGA-related conditions. Algorithms developed to predict the effect of sequence changes on RNA splicing suggest that this variant may disrupt the consensus splice site, but this prediction has not been confirmed by published transcriptional studies. Donor and acceptor splice site variants typically lead to a loss of protein function (PMID: 16199547), and loss-of-function variants in AGA are known to be pathogenic (PMID: 7627186, 11309371). In summary, the currently available evidence indicates that the variant is pathogenic, but additional data are needed to prove that conclusively. Therefore, this variant has been classified as Likely Pathogenic.

Literature cited by the submitters: PubMed 16199547; PubMed 7627186; PubMed 11309371.